The following is an entry in ClinVar:

ClinVar aggregate classification (germline): Benign/Likely benign. Review status: criteria provided, multiple submitters, no conflicts (2 of 4 stars). 2 submissions from 2 submitters: Benign (1); Likely benign (1). Last evaluated 2025-08-20.

Allele frequency attached by ClinVar (database versions not stated): gnomAD 0.00032; TOPMed 0.00032.
gnomAD v4.1: 94 of 1,613,764 alleles (0.0058%); highest among the groups gnomAD compares: African/African-American, 0.12%; no homozygotes.

Submissions (2):

Mayo Clinic Laboratories, Mayo Clinic
Classification: Likely benign. Last evaluated: 2025-08-20. Review status: criteria provided, single submitter. Criteria: ACMG Guidelines, 2015. Collection method: clinical testing. Allele origin: germline. Observed: 1 variant allele.
Comment: BS1, BP4, BP7

Labcorp Genetics (formerly Invitae), Labcorp
Classification: Benign. Last evaluated: 2019-12-31. Review status: criteria provided, single submitter. Criteria: Invitae Variant Classification Sherloc (09022015). Collection method: clinical testing. Allele origin: germline.

NM_000459.5(TEK):c.3318G>C (p.Thr1106=)

Gene: TEK (TEK receptor tyrosine kinase; plus strand). Cytogenetic location: 9p21.2.
Variant type: single nucleotide variant.
Coding change: c.3318G>C on transcript NM_000459.5 (MANE Select); coding-DNA position 3318, G replaced by C.
Protein change: p.Thr1106=; no amino-acid change (threonine 1106 retained).
Molecular consequence: synonymous variant.
Genome position (GRCh38, 1-based): chr9:27,229,175, G>C. VCF-style: chr9-27229175-G-C. GRCh37 (hg19) VCF-style: chr9-27229173-G-C.
Other names: p.Thr1106=; c.3189G>C, p.Thr1063= (NM_001290077.2); c.2874G>C, p.Thr958= (NM_001290078.2); c.3315G>C, p.Thr1105= (NM_001375475.1); c.3186G>C, p.Thr1062= (NM_001375476.1).
Identifiers: ClinVar variation 744409 (VCV000744409.5), dbSNP rs573240128, ClinGen allele CA5016835.